The following is an entry in ClinVar:

ClinVar aggregate classification (germline): Uncertain significance (1 of 4 stars; one submission).

Conditions:
Oto-palato-digital syndrome, type II (OPD2). Also called: Otopalatodigital Syndrome Type 2 (FLNA-OPD2); FACIOPALATOOSSEOUS SYNDROME; OPD II SYNDROME; Otopalatodigital Syndrome, Type II. Identifiers: Orphanet 669, Orphanet 90652, MedGen C1844696, MONDO:0010571, OMIM 304120.
Heterotopia, periventricular, X-linked dominant (PVNH1). Also called: PERIVENTRICULAR NODULAR HETEROTOPIA 1; X-linked periventricular heterotopia; PERIVENTRICULAR NODULAR HETEROTOPIA 4; HETEROTOPIA, PERIVENTRICULAR, 1. Identifiers: Orphanet 2149, Orphanet 82004, MedGen C1848213, MONDO:0010233, OMIM 300049.
Frontometaphyseal dysplasia (FMD1). Identifiers: Orphanet 1826, MedGen C0265293, MONDO:0015942.
Melnick-Needles syndrome (MNS). Also called: Melnick-Needles Syndrome (FLNA-MNS); MELNICK-NEEDLES OSTEODYSPLASTY; OSTEODYSPLASTY OF MELNICK AND NEEDLES. Identifiers: Orphanet 2484, MedGen C0025237, MONDO:0010650, OMIM 309350.

Submission:

Labcorp Genetics (formerly Invitae), Labcorp
Classification: Uncertain significance for Oto-palato-digital syndrome, type II; Heterotopia, periventricular, X-linked dominant; Frontometaphyseal dysplasia; Melnick-Needles syndrome. Last evaluated: 2024-04-01. Review status: criteria provided, single submitter. Criteria: Invitae Variant Classification Sherloc (09022015). Collection method: clinical testing. Allele origin: germline.
Comment: This sequence change replaces glycine, which is neutral and non-polar, with aspartic acid, which is acidic and polar, at codon 1023 of the FLNA protein (p.Gly1023Asp). This variant is not present in population databases (gnomAD no frequency). This variant has not been reported in the literature in individuals affected with FLNA-related conditions. Advanced modeling of protein sequence and biophysical properties (such as structural, functional, and spatial information, amino acid conservation, physicochemical variation, residue mobility, and thermodynamic stability) performed at Invitae indicates that this missense variant is not expected to disrupt FLNA protein function with a negative predictive value of 95%. In summary, the available evidence is currently insufficient to determine the role of this variant in disease. Therefore, it has been classified as a Variant of Uncertain Significance.

NM_001110556.2(FLNA):c.3068G>A (p.Gly1023Asp)

Gene: FLNA (filamin A; minus strand). Cytogenetic location: Xq28.
Variant type: single nucleotide variant.
Coding change: c.3068G>A on transcript NM_001110556.2 (MANE Select); coding-DNA position 3068, G replaced by A.
Protein change: p.Gly1023Asp; replaces glycine 1023 with aspartic acid.
Molecular consequence: missense variant.
Genome position (GRCh38, 1-based): chrX:154,361,447, C>T on the plus strand (G>A on the coding strand, the complement: FLNA is on the minus strand). VCF-style: chrX-154361447-C-T. GRCh37 (hg19) VCF-style: chrX-153589815-C-T.
Other names: c.3068G>A, p.Gly1023Asp (NM_001456.4); short protein forms G1023D.
Identifiers: ClinVar variation 3762652 (VCV003762652.2).